The following is an entry in ClinVar:

ClinVar aggregate classification (germline): Likely benign (1 of 4 stars; one submission).

gnomAD v4.1: 119 of 1,610,030 alleles (0.0074%); highest among the groups gnomAD compares: African/African-American, 0.092%; no homozygotes.

Submission:

CeGaT Center for Human Genetics Tuebingen
Classification: Likely benign. Last evaluated: 2026-06-01. Review status: criteria provided, single submitter. Criteria: CeGaT Center For Human Genetics Tuebingen Variant Classification Criteria Version 2. Collection method: clinical testing. Allele origin: germline. Affected: yes. Observed: 1 variant allele.
Comment: TPM4: BP4, BP7

NM_003290.3(TPM4):c.180G>A (p.Glu60=)

Gene: TPM4 (tropomyosin 4; plus strand). Cytogenetic location: 19p13.12.
Variant type: single nucleotide variant.
Coding change: c.180G>A on transcript NM_003290.3 (MANE Select); coding-DNA position 180, G replaced by A.
Protein change: p.Glu60=; no amino-acid change (glutamic acid 60 retained).
Molecular consequence: synonymous variant.
Genome position (GRCh38, 1-based): chr19:16,081,960, G>A. VCF-style: chr19-16081960-G-A. GRCh37 (hg19) VCF-style: chr19-16192770-G-A.
Other names: c.288G>A, p.Glu96= (NM_001145160.2); c.240G>A, p.Glu80= (NM_001367836.1); c.180G>A, p.Glu60= (NM_001367837.2); c.171G>A, p.Glu57= (NM_001367838.1).
Identifiers: ClinVar variation 4872051 (VCV004872051.2).